The following is an entry in ClinVar:

ClinVar aggregate classification (germline): Uncertain significance (1 of 4 stars; one submission).

Allele frequency attached by ClinVar (database versions not stated): TOPMed below 0.00001; gnomAD 0.00001; gnomAD exomes 0.00001 and 0.00002; ExAC 0.00002; 1000 Genomes Project 0.00020; 1000 Genomes Project 30x 0.00031.
gnomAD v4.1: 23 of 1,613,954 alleles (0.0014%); highest among the groups gnomAD compares: Non-Finnish European, 0.0019%; no homozygotes.

Submission:

Labcorp Genetics (formerly Invitae), Labcorp
Classification: Uncertain significance. Last evaluated: 2022-02-24. Review status: criteria provided, single submitter. Criteria: Invitae Variant Classification Sherloc (09022015). Collection method: clinical testing. Allele origin: germline.
Comment: In summary, the available evidence is currently insufficient to determine the role of this variant in disease. Therefore, it has been classified as a Variant of Uncertain Significance. Algorithms developed to predict the effect of missense changes on protein structure and function are either unavailable or do not agree on the potential impact of this missense change (SIFT: "Deleterious"; PolyPhen-2: "Benign"; Align-GVGD: "Class C0"). This variant has not been reported in the literature in individuals affected with PLOD3-related conditions. This variant is present in population databases (rs201613747, gnomAD 0.003%). This sequence change replaces glutamic acid, which is acidic and polar, with lysine, which is basic and polar, at codon 620 of the PLOD3 protein (p.Glu620Lys).

NM_001084.5(PLOD3):c.1858G>A (p.Glu620Lys)

Gene: PLOD3 (procollagen-lysine,2-oxoglutarate 5-dioxygenase 3; minus strand). Cytogenetic location: 7q22.1.
Variant type: single nucleotide variant.
Coding change: c.1858G>A on transcript NM_001084.5 (MANE Select); coding-DNA position 1858, G replaced by A.
Protein change: p.Glu620Lys; replaces glutamic acid 620 with lysine.
Molecular consequence: missense variant.
Genome position (GRCh38, 1-based): chr7:101,207,655, C>T on the plus strand (G>A on the coding strand, the complement: PLOD3 is on the minus strand). VCF-style: chr7-101207655-C-T. GRCh37 (hg19) VCF-style: chr7-100850936-C-T.
Other names: short protein forms E620K.
Identifiers: ClinVar variation 1497602 (VCV001497602.4), dbSNP rs201613747, ClinGen allele CA4407496.
Genomic context (GRCh38, chr7:101,207,655, plus strand): 5'-GAAACAGGCTCTCGGTCATGGGGCCCACATACGTCCGCAGCAGCTGCAGCCACTGGTCCT[C>T]GTACCCCACCTGCTTCATGTGGATGTCCACGGTGGGCACATTCTCGTAGCCTCCAGCCAG-3'
Protein context (NP_001075.1, residues 610-630): VDIHMKQVGY[Glu620Lys]DQWLQLLRTY